The following is an entry in ClinVar:

ClinVar aggregate classification (germline): Likely pathogenic (1 of 4 stars; one submission).

Conditions:
Cystic fibrosis (CF). Also called: MUCOVISCIDOSIS. Identifiers: Orphanet 586, MedGen C0010674, MONDO:0009061, OMIM 219700. Disease mechanism: loss of function.

Submission:

Neuberg Centre For Genomic Medicine, NCGM
Classification: Likely pathogenic for Cystic fibrosis. Review status: criteria provided, single submitter. Criteria: ACMG Guidelines, 2015. Collection method: clinical testing. Allele origin: germline. Inheritance: Autosomal recessive inheritance. Affected: yes.
Comment: The observed frameshift c.3782del (p.Leu1261ArgfsTer17) variant has not been reported previously as a pathogenic variant nor as a benign variant, to our knowledge. The p.Leu1261ArgfsTer17 variant is absent in gnomAD Exomes. This variant has not been submitted to the ClinVar database. This variant causes a frameshift starting with codon Leucine 1261, changes this amino acid to Arginine residue, and creates a premature Stop codon at position 17 of the new reading frame, denoted p.Leu1261ArgfsTer17. This variant is predicted to cause loss of normal protein function through protein truncation. Loss of function variants have been previously reported to be disease causing. For these reasons, this variant has been classified as Likely Pathogenic.

NM_000492.4(CFTR):c.3782del (p.Leu1261fs)

Genes: CFTR (CF transmembrane conductance regulator; plus strand), CFTR-AS2 (CFTR antisense RNA 2; minus strand). Cytogenetic location: 7q31.2.
Variant type: Deletion.
Coding change: c.3782del on transcript NM_000492.4 (MANE Select); coding-DNA position 3782, one base deleted (T; older notation c.3782delT).
Protein change: p.Leu1261fs; shifts the reading frame from leucine 1261.
Molecular consequence: frameshift variant.
Genome position (GRCh38, 1-based): chr7:117,642,502, T deleted. VCF-style (leftmost placement, unchanged base first): chr7-117642501-CT-C. GRCh37 (hg19) VCF-style: chr7-117282555-CT-C.
Other names: short protein forms L1261fs.
Identifiers: ClinVar variation 3242024 (VCV003242024.1), dbSNP rs2485159925.